The following is an entry in ClinVar:

NM_015631.6(TCTN3):c.1453G>T (p.Ala485Ser)

Gene: TCTN3 (tectonic family member 3; minus strand). Cytogenetic location: 10q24.1.
Variant type: single nucleotide variant.
Coding change: c.1453G>T on transcript NM_015631.6 (MANE Select); coding-DNA position 1453, G replaced by T.
Protein change: p.Ala485Ser; replaces alanine 485 with serine.
Molecular consequence: missense variant.
Genome position (GRCh38, 1-based): chr10:95,680,609, C>A on the plus strand (G>T on the coding strand, the complement: TCTN3 is on the minus strand). VCF-style: chr10-95680609-C-A. GRCh37 (hg19) VCF-style: chr10-97440366-C-A.
Other names: c.1009G>T, p.Ala337Ser (NM_001143973.2); short protein forms A337S, A485S.
Identifiers: ClinVar variation 1345346 (VCV001345346.3), dbSNP rs2097942068, ClinGen allele CA377702130.

ClinVar aggregate classification (germline): Uncertain significance (1 of 4 stars; one submission).

Conditions:
Joubert syndrome 18 (JBTS18). Identifiers: Orphanet 2754, MedGen C3553758, MONDO:0013896, OMIM 614815.
Orofacial-digital syndrome IV (OFD4). Also called: BARAITSER-BURN SYNDROME; MOHR-MAJEWSKI SYNDROME; OFD SYNDROME WITH TIBIAL DEFECTS; OFD SYNDROME, BARAITSER-BURN TYPE; OFDS IV; ORAL-FACIAL-DIGITAL SYNDROME, TYPE IV. Identifiers: Orphanet 2753, MedGen C0406727, MONDO:0009794, OMIM 258860.

Allele frequency attached by ClinVar (database versions not stated): gnomAD 0.00001; TOPMed 0.00001.
gnomAD v4.1: 1 of 1,613,000 alleles (0.000062%); highest among the groups gnomAD compares: Admixed American, 0.0017%; no homozygotes.

Submission:

Labcorp Genetics (formerly Invitae), Labcorp
Classification: Uncertain significance for Joubert syndrome 18; Orofacial-digital syndrome IV. Last evaluated: 2022-07-05. Review status: criteria provided, single submitter. Criteria: Invitae Variant Classification Sherloc (09022015). Collection method: clinical testing. Allele origin: germline.
Comment: This sequence change replaces alanine, which is neutral and non-polar, with serine, which is neutral and polar, at codon 485 of the TCTN3 protein (p.Ala485Ser). This variant is not present in population databases (gnomAD no frequency). This variant has not been reported in the literature in individuals affected with TCTN3-related conditions. ClinVar contains an entry for this variant (Variation ID: 1345346). Algorithms developed to predict the effect of missense changes on protein structure and function (SIFT, PolyPhen-2, Align-GVGD) all suggest that this variant is likely to be tolerated. Algorithms developed to predict the effect of sequence changes on RNA splicing suggest that this variant may disrupt the consensus splice site. In summary, the available evidence is currently insufficient to determine the role of this variant in disease. Therefore, it has been classified as a Variant of Uncertain Significance.